The following is an entry in ClinVar:

NM_015459.5(ATL3):c.619-4A>G

Genes: ATL3 (atlastin GTPase 3; minus strand), LNCROPM (lncRNA regulator of PLAAT3 mediated phospholipid metabolism; plus strand). Cytogenetic location: 11q13.1.
Variant type: single nucleotide variant.
Coding change: c.619-4A>G on transcript NM_015459.5 (MANE Select); 4 bases into the intron before coding-DNA position 619, A replaced by G.
Molecular consequence: intron variant.
Genome position (GRCh38, 1-based): chr11:63,644,265, T>C on the plus strand (A>G on the coding strand, the complement: ATL3 is on the minus strand). VCF-style: chr11-63644265-T-C. GRCh37 (hg19) VCF-style: chr11-63411737-T-C.
Other names: c.565-4A>G (NM_001290048.2).
Identifiers: ClinVar variation 944283 (VCV000944283.10), dbSNP rs779896498, ClinGen allele CA6063722.

ClinVar aggregate classification (germline): Uncertain significance. Review status: criteria provided, multiple submitters, no conflicts (2 of 4 stars). 2 submissions from 2 submitters: Uncertain significance (2). Last evaluated 2022-11-10.

Conditions:
Neuropathy, hereditary sensory, type 1F. Also called: Hereditary sensory neuropathy type IF; HSN IF. Identifiers: Orphanet 36386, MedGen C3810194, MONDO:0014286, OMIM 615632.

Allele frequency attached by ClinVar (database versions not stated): gnomAD exomes below 0.00001; TOPMed below 0.00001; ExAC 0.00001.
gnomAD v4.1: 6 of 1,575,234 alleles (0.00038%); highest among the groups gnomAD compares: Non-Finnish European, 0.00052%; no homozygotes.

Submissions (2):

Blueprint Genetics
Classification: Uncertain significance. Last evaluated: 2022-11-10. Review status: criteria provided, single submitter. Criteria: ACMG Guidelines, 2015. Collection method: clinical testing. Allele origin: germline.

Labcorp Genetics (formerly Invitae), Labcorp
Classification: Uncertain significance for Neuropathy, hereditary sensory, type 1F. Last evaluated: 2019-06-07. Review status: criteria provided, single submitter. Criteria: Invitae Variant Classification Sherloc (09022015). Collection method: clinical testing. Allele origin: germline.
Comment: In summary, the available evidence is currently insufficient to determine the role of this variant in disease. Therefore, it has been classified as a Variant of Uncertain Significance. Algorithms developed to predict the effect of sequence changes on RNA splicing suggest that this variant may disrupt the consensus splice site, but this prediction has not been confirmed by published transcriptional studies. This variant has not been reported in the literature in individuals with ATL3-related conditions. This variant is present in population databases (rs779896498, ExAC 0.002%). This sequence change falls in intron 6 of the ATL3 gene. It does not directly change the encoded amino acid sequence of the ATL3 protein.